The following is an entry in ClinVar:

NM_144672.4(OTOA):c.401A>G (p.Asp134Gly)

Gene: OTOA (otoancorin). Cytogenetic location: 16p12.2.
Variant type: single nucleotide variant.
Coding change: c.401A>G on transcript NM_144672.4 (MANE Select); coding-DNA position 401, A replaced by G.
Protein change: p.Asp134Gly; replaces aspartic acid 134 with glycine.
Molecular consequence: missense variant.
Genome position (GRCh38, 1-based): chr16:21,687,414, A>G. VCF-style: chr16-21687414-A-G. GRCh37 (hg19) VCF-style: chr16-21698735-A-G.
Other names: c.164A>G, p.Asp55Gly (NM_001161683.2); short protein forms D134G, D55G.
Identifiers: ClinVar variation 667291 (VCV000667291.6), dbSNP rs753359371, ClinGen allele CA7952300.
Genomic context (GRCh38, chr16:21,687,414, plus strand): 5'-AGGGCTTCCAAATTGAGAGGCAGCTCTCAAACTGACCCTGGCTTCTGTCATTGCTTTAGG[A>G]CCTGAAAGACATCATCATCGACTTAGGAGAGATTCGAGAACGAGCCTTGCAGAGCCCTGG-3'
Protein context (NP_653273.3, residues 124-144): CLLEDKKDGL[Asp134Gly]LKDIIIDLGE

ClinVar aggregate classification (germline): Uncertain significance. Review status: criteria provided, multiple submitters, no conflicts (2 of 4 stars). 3 submissions from 3 submitters: Uncertain significance (3). Last evaluated 2026-03-12.

Conditions:
Inborn genetic diseases. Identifiers: MedGen C0950123, MeSH D030342.
OTOA-related disorder. Also called: OTOA-related condition.

Allele frequency attached by ClinVar (database versions not stated): gnomAD 0.00001; gnomAD exomes 0.00004 and 0.00011; TOPMed 0.00008; ExAC 0.00010.
gnomAD v4.1: 27 of 1,613,698 alleles (0.0017%); highest among the groups gnomAD compares: Admixed American, 0.045%; no homozygotes.

Submissions (3):

PreventionGenetics, part of Exact Sciences
Classification: Uncertain significance for OTOA-related condition. Last evaluated: 2026-03-12. Review status: criteria provided, single submitter. Criteria: ACMG Guidelines, 2015. Collection method: clinical testing. Allele origin: germline.
Comment: The OTOA c.401A>G variant is predicted to result in the amino acid substitution p.Asp134Gly. To our knowledge, this variant has not been reported in the literature. This variant is reported in 0.073% of alleles in individuals of Latino descent in gnomAD. Although we suspect that this variant may be benign, at this time, the clinical significance of this variant is uncertain due to the absence of conclusive functional and genetic evidence.

Ambry Genetics
Classification: Uncertain significance for Inborn genetic diseases. Last evaluated: 2024-08-15. Review status: criteria provided, single submitter. Criteria: Ambry Variant Classification Scheme 2023. Collection method: clinical testing. Allele origin: germline.

Laboratory for Molecular Medicine, Mass General Brigham Personalized Medicine
Classification: Uncertain significance. Last evaluated: 2018-12-14. Review status: criteria provided, single submitter. Criteria: LMM Criteria. Collection method: clinical testing. Allele origin: germline. Observed: 1 variant allele.
Comment: The p.Asp134Gly variant in OTOA has not been previously reported in individuals with hearing loss, but has been identified in 0.07% (26/35434) of Latino chromos omes by gnomAD. Computational prediction tool s and conservation analysis suggest that this variant may not impact the protein , though this information is not predictive enough to rule out pathogenicity. In summary, the clinical significance of this variant is uncertain. ACMG/AMP Crite ria applied: PM2_Supporting, BP4.